The following is an entry in ClinVar:

ClinVar aggregate classification (germline): Likely pathogenic (1 of 4 stars; one submission).

Conditions:
alpha Thalassemia. Also called: Alpha thalassemia spectrum. Identifiers: Orphanet 846, MedGen C0002312, MONDO:0011399, OMIM 604131.

Submission:

Natera, Inc.
Classification: Likely pathogenic for Alpha thalassemia. Last evaluated: 2024-12-22. Review status: criteria provided, single submitter. Criteria: Natera Variant Classification Schema (03/2026). Collection method: clinical testing. Allele origin: germline.
Comment: The c.34_35insGCAA variant in HBA1 is a frameshift variant predicted to shift the reading frame beginning at codon 12 and leads to a stop codon 7 codons downstream. This variant is expected to result in nonsense mediated decay, truncation, or a dysfunctional protein product. This variant is rare in the general population with a frequency below the threshold expected for the associated phenotype(s). Given the available evidence, this variant is classified as Likely Pathogenic.

NM_000558.5(HBA1):c.34_35insGCAA (p.Lys12fs)

Genes: HBA1 (hemoglobin subunit alpha 1; plus strand), LOC106804613 (hemoglobin subunit alpha 1 recombination region; plus strand). Cytogenetic location: 16p13.3.
Variant type: Insertion.
Coding change: c.34_35insGCAA on transcript NM_000558.5 (MANE Select); coding-DNA positions 34 to 35, GCAA inserted.
Protein change: p.Lys12fs; shifts the reading frame from lysine 12.
Molecular consequence: frameshift variant.
Genome position: GRCh38 VCF-style: chr16-176749-C-CAGCA. GRCh37 (hg19) VCF-style: chr16-226748-C-CAGCA.
Other names: short protein forms K12fs.
Identifiers: ClinVar variation 4814402 (VCV004814402.1).
Genomic context (GRCh38, chr16:176,749, plus strand): 5'-GTCCCCACAGACTCAGAGAGAACCCACCATGGTGCTGTCTCCTGCCGACAAGACCAACGT[C>CAGCA]AAGGCCGCCTGGGGTAAGGTCGGCGCGCACGCTGGCGAGTATGGTGCGGAGGCCCTGGAG-3'